The following is an entry in ClinVar:

NM_001458.5(FLNC):c.1543G>A (p.Gly515Arg)

Gene: FLNC (filamin C; plus strand). Cytogenetic location: 7q32.1.
Variant type: single nucleotide variant.
Coding change: c.1543G>A on transcript NM_001458.5 (MANE Select); coding-DNA position 1543, G replaced by A.
Protein change: p.Gly515Arg; replaces glycine 515 with arginine.
Molecular consequence: missense variant.
Genome position (GRCh38, 1-based): chr7:128,840,154, G>A. VCF-style: chr7-128840154-G-A. GRCh37 (hg19) VCF-style: chr7-128480208-G-A.
Other names: c.1543G>A, p.Gly515Arg (NM_001127487.2); short protein forms G515R.
Identifiers: ClinVar variation 2923910 (VCV002923910.3), dbSNP rs751435394, ClinGen allele CA4474374.
Genomic context (GRCh38, chr7:128,840,154, plus strand): 5'-GCTGACTTCAAGGTGTTTACCAAGGGTGCCGGCAGCGGGGAGCTCAAGGTCACGGTCAAG[G>A]GGCCAAGTGAGTGCCAGAGCCCAGGGTCGTGAGGGTGGGGCTGGGGGATCATAAGGGAAG-3'
Protein context (NP_001449.3, residues 505-525): GSGELKVTVK[Gly515Arg]PKGTEEPVKV

ClinVar aggregate classification (germline): Uncertain significance (1 of 4 stars; one submission).

Conditions:
Myofibrillar myopathy 5. Also called: Filaminopathy (type); FILAMINOPATHY, AUTOSOMAL DOMINANT. Identifiers: Orphanet 171445, MedGen C1836050, MONDO:0012289, OMIM 609524.
Hypertrophic cardiomyopathy 26. Also called: Cardiomyopathy, familial hypertrophic, 26. Identifiers: Orphanet 75249, MedGen C4310749, MONDO:0014883, OMIM 617047.
Distal myopathy with posterior leg and anterior hand involvement. Also called: WILLIAMS DISTAL MYOPATHY. Identifiers: Orphanet 63273, MedGen C3279722, MONDO:0013550, OMIM 614065.

Allele frequency attached by ClinVar (database versions not stated): gnomAD 0.00001; TOPMed 0.00001; ExAC 0.00002.
gnomAD v4.1: 13 of 1,613,704 alleles (0.00081%); highest among the groups gnomAD compares: Non-Finnish European, 0.0011%; no homozygotes.

Submission:

Labcorp Genetics (formerly Invitae), Labcorp
Classification: Uncertain significance for Distal myopathy with posterior leg and anterior hand involvement; Myofibrillar myopathy 5; Hypertrophic cardiomyopathy 26. Last evaluated: 2026-01-28. Review status: criteria provided, single submitter. Criteria: Invitae Variant Classification Sherloc (09022015). Collection method: clinical testing. Allele origin: germline.
Comment: This sequence change replaces glycine, which is neutral and non-polar, with arginine, which is basic and polar, at codon 515 of the FLNC protein (p.Gly515Arg). This variant is present in population databases (rs751435394, gnomAD 0.002%). This variant has not been reported in the literature in individuals affected with FLNC-related conditions. ClinVar contains an entry for this variant (Variation ID: 2923910). Invitae Evidence Modeling of protein sequence and biophysical properties (such as structural, functional, and spatial information, amino acid conservation, physicochemical variation, residue mobility, and thermodynamic stability) has been performed for this missense variant. However, the output from this modeling did not meet the statistical confidence thresholds required to predict the impact of this variant on FLNC protein function. In summary, the available evidence is currently insufficient to determine the role of this variant in disease. Therefore, it has been classified as a Variant of Uncertain Significance.